The following is an entry in ClinVar:

ClinVar aggregate classification (germline): Uncertain significance. Review status: criteria provided, multiple submitters, no conflicts (2 of 4 stars). 2 submissions from 2 submitters: Uncertain significance (2). Last evaluated 2024-04-09.

gnomAD v4.1: 40 of 1,614,038 alleles (0.0025%); highest among the groups gnomAD compares: Non-Finnish European, 0.0031%; no homozygotes.

Submissions (2):

Labcorp Genetics (formerly Invitae), Labcorp
Classification: Uncertain significance. Last evaluated: 2024-04-09. Review status: criteria provided, single submitter. Criteria: Invitae Variant Classification Sherloc (09022015). Collection method: clinical testing. Allele origin: germline.
Comment: This sequence change replaces tyrosine, which is neutral and polar, with histidine, which is basic and polar, at codon 1090 of the TECTA protein (p.Tyr1090His). This variant is present in population databases (rs755367558, gnomAD 0.003%). This variant has not been reported in the literature in individuals affected with TECTA-related conditions. Advanced modeling of protein sequence and biophysical properties (such as structural, functional, and spatial information, amino acid conservation, physicochemical variation, residue mobility, and thermodynamic stability) performed at Invitae indicates that this missense variant is not expected to disrupt TECTA protein function with a negative predictive value of 95%. In summary, the available evidence is currently insufficient to determine the role of this variant in disease. Therefore, it has been classified as a Variant of Uncertain Significance.

Blueprint Genetics
Classification: Uncertain significance. Last evaluated: 2021-01-22. Review status: criteria provided, single submitter. Criteria: ACMG Guidelines, 2015. Collection method: clinical testing. Allele origin: germline.

NM_005422.4(TECTA):c.3268T>C (p.Tyr1090His)

Genes: TBCEL-TECTA (TBCEL-TECTA readthrough; plus strand), TECTA (tectorin alpha; plus strand). Cytogenetic location: 11q23.3.
Variant type: single nucleotide variant.
Coding change: c.3268T>C on transcript NM_005422.4 (MANE Select); coding-DNA position 3268, T replaced by C.
Protein change: p.Tyr1090His; replaces tyrosine 1090 with histidine.
Molecular consequence: missense variant.
Genome position (GRCh38, 1-based): chr11:121,137,747, T>C. VCF-style: chr11-121137747-T-C. GRCh37 (hg19) VCF-style: chr11-121008456-T-C.
Other names: c.4225T>C, p.Tyr1409His (NM_001378761.1); short protein forms Y1090H, Y1409H.
Identifiers: ClinVar variation 3608233 (VCV003608233.3).